The following is an entry in ClinVar:

ClinVar aggregate classification (germline): Uncertain significance (1 of 4 stars; one submission).

Submission:

Labcorp Genetics (formerly Invitae), Labcorp
Classification: Uncertain significance. Last evaluated: 2022-06-27. Review status: criteria provided, single submitter. Criteria: Invitae Variant Classification Sherloc (09022015). Collection method: clinical testing. Allele origin: germline.
Comment: This sequence change replaces leucine, which is neutral and non-polar, with alanine, which is neutral and non-polar, at codon 852 of the EYS protein (p.Leu852Ala). The frequency data for this variant in the population databases is considered unreliable, as metrics indicate poor data quality at this position in the gnomAD database. This variant has not been reported in the literature in individuals affected with EYS-related conditions. Algorithms developed to predict the effect of missense changes on protein structure and function are either unavailable or do not agree on the potential impact of this missense change (SIFT: "Not Available"; PolyPhen-2: "Benign"; Align-GVGD: "Not Available"). In summary, the available evidence is currently insufficient to determine the role of this variant in disease. Therefore, it has been classified as a Variant of Uncertain Significance.

NM_001142800.2(EYS):c.2554_2555delinsGC (p.Leu852Ala)

Gene: EYS (eyes shut homolog; minus strand). Cytogenetic location: 6q12.
Variant type: Indel.
Coding change: c.2554_2555delinsGC on transcript NM_001142800.2 (MANE Select); coding-DNA positions 2554 to 2555, CT replaced by GC.
Protein change: p.Leu852Ala; replaces leucine 852 with alanine.
Molecular consequence: missense variant.
Genome position (GRCh38, 1-based): chr6:64,912,570-64,912,571, AG replaced by GC on the plus strand (CT replaced by GC on the coding strand, the reverse complement: EYS is on the minus strand). VCF-style: chr6-64912570-AG-GC. GRCh37 (hg19) VCF-style: chr6-65622463-AG-GC.
Other names: c.2554_2555delinsGC, p.Leu852Ala (NM_001292009.2); short protein forms L852A.
Identifiers: ClinVar variation 1417224 (VCV001417224.3), dbSNP rs2150076798, ClinGen allele CA2573141028.